The following is an entry in ClinVar:

ClinVar aggregate classification (germline): Pathogenic (1 of 4 stars; one submission).

Submission:

Labcorp Genetics (formerly Invitae), Labcorp
Classification: Pathogenic. Last evaluated: 2023-06-29. Review status: criteria provided, single submitter. Criteria: Invitae Variant Classification Sherloc (09022015). Collection method: clinical testing. Allele origin: germline.
Comment: This variant has not been reported in the literature in individuals affected with TBCE-related conditions. For these reasons, this variant has been classified as Pathogenic. This variant is not present in population databases (gnomAD no frequency). This sequence change creates a premature translational stop signal (p.Leu209*) in the TBCE gene. It is expected to result in an absent or disrupted protein product. Loss-of-function variants in TBCE are known to be pathogenic (PMID: 27666369, 34134906, 34356170).

Literature cited by the submitters: PubMed 27666369; PubMed 34134906; PubMed 34356170.

NM_003193.5(TBCE):c.626T>G (p.Leu209Ter)

Gene: TBCE (tubulin folding cofactor E; plus strand). Cytogenetic location: 1q42.3.
Variant type: single nucleotide variant.
Coding change: c.626T>G on transcript NM_003193.5 (MANE Select); coding-DNA position 626, T replaced by G.
Protein change: p.Leu209Ter; replaces leucine 209 with a stop codon.
Molecular consequence: nonsense.
Genome position (GRCh38, 1-based): chr1:235,430,770, T>G. VCF-style: chr1-235430770-T-G. GRCh37 (hg19) VCF-style: chr1-235594085-T-G.
Other names: c.626T>G, p.Leu209Ter (NM_001079515.3, NM_001287801.2); c.287T>G, p.Leu96Ter (NM_001287802.2); short protein forms L96*, L209*.
Identifiers: ClinVar variation 2733081 (VCV002733081.3), dbSNP rs2527012076, ClinGen allele CA344933458.